The following is an entry in ClinVar:

NM_020937.4(FANCM):c.5200A>G (p.Thr1734Ala)

Gene: FANCM (FA complementation group M; plus strand). Cytogenetic location: 14q21.2.
Variant type: single nucleotide variant.
Coding change: c.5200A>G on transcript NM_020937.4 (MANE Select); coding-DNA position 5200, A replaced by G.
Protein change: p.Thr1734Ala; replaces threonine 1734 with alanine.
Molecular consequence: missense variant.
Genome position (GRCh38, 1-based): chr14:45,189,222, A>G. VCF-style: chr14-45189222-A-G. GRCh37 (hg19) VCF-style: chr14-45658425-A-G.
Other names: c.5122A>G, p.Thr1708Ala (NM_001308133.2); short protein forms T1708A, T1734A.
Identifiers: ClinVar variation 1476407 (VCV001476407.8), dbSNP rs756631911, ClinGen allele CA259635794.
Genomic context (GRCh38, chr14:45,189,222, plus strand): 5'-GCGCAGTCCAAGGTGCGTTCTACTCCAAGAGTTAATCCATTAGCAAAGCAGAGCAAACAG[A>G]CATCGCTGAATTTAAAGGATACAATTTCCGAAGTCTCAGACTTCAAACCTCAGAATCATA-3'
Protein context (NP_065988.1, residues 1724-1744): VNPLAKQSKQ[Thr1734Ala]SLNLKDTISE

ClinVar aggregate classification (germline): Uncertain significance (1 of 4 stars; one submission).

Conditions:
Fanconi anemia (FA). Also called: Fanconi's anemia. Identifiers: Orphanet 84, MedGen C0015625, MeSH D005199, MONDO:0019391.

Allele frequency attached by ClinVar (database versions not stated): gnomAD exomes 0.00001; TOPMed 0.00001.
gnomAD v4.1: 10 of 1,614,150 alleles (0.00062%); highest among the groups gnomAD compares: Non-Finnish European, 0.00085%; no homozygotes.

Submission:

Labcorp Genetics (formerly Invitae), Labcorp
Classification: Uncertain significance for Fanconi anemia. Last evaluated: 2023-10-22. Review status: criteria provided, single submitter. Criteria: Invitae Variant Classification Sherloc (09022015). Collection method: clinical testing. Allele origin: germline.
Comment: This sequence change replaces threonine, which is neutral and polar, with alanine, which is neutral and non-polar, at codon 1734 of the FANCM protein (p.Thr1734Ala). This variant is not present in population databases (gnomAD no frequency). This variant has not been reported in the literature in individuals affected with FANCM-related conditions. ClinVar contains an entry for this variant (Variation ID: 1476407). Algorithms developed to predict the effect of missense changes on protein structure and function output the following: SIFT: "Not Available"; PolyPhen-2: "Benign"; Align-GVGD: "Not Available". The alanine amino acid residue is found in multiple mammalian species, which suggests that this missense change does not adversely affect protein function. In summary, the available evidence is currently insufficient to determine the role of this variant in disease. Therefore, it has been classified as a Variant of Uncertain Significance.